The following is an entry in ClinVar:

NM_000548.5(TSC2):c.2839C>T (p.Leu947=)

Gene: TSC2 (TSC complex subunit 2; plus strand). Cytogenetic location: 16p13.3.
Variant type: single nucleotide variant.
Coding change: c.2839C>T on transcript NM_000548.5 (MANE Select); coding-DNA position 2839, C replaced by T.
Protein change: p.Leu947=; no amino-acid change (leucine 947 retained).
Molecular consequence: synonymous variant. On other transcripts: intron variant (9).
Genome position (GRCh38, 1-based): chr16:2,077,599, C>T. VCF-style: chr16-2077599-C-T. GRCh37 (hg19) VCF-style: chr16-2127600-C-T.
Other names: c.2839C>T (NM_000548.3); c.2839C>T, p.Leu947= (NM_001114382.3); c.2837+1014C>T (NM_021055.3, NM_001370405.1, NM_001363528.2 and 2 more transcripts); c.2726+1014C>T (NM_001318827.2); c.2237+1014C>T (NM_001318831.2); c.2690+1014C>T (NM_001318829.2); c.2870+1014C>T (NM_001318832.2).
Identifiers: ClinVar variation 1132806 (VCV001132806.11), dbSNP rs2089574802, ClinGen allele CA492954849.

ClinVar aggregate classification (germline): Likely benign. Review status: criteria provided, multiple submitters, no conflicts (2 of 4 stars). 3 submissions from 3 submitters: Likely benign (3). Last evaluated 2025-11-03.

Conditions:
Hereditary cancer-predisposing syndrome. Also called: Neoplastic Syndromes, Hereditary; Hereditary neoplastic syndrome; Tumor predisposition; Hereditary Cancer Syndrome. Identifiers: Orphanet 140162, MedGen C0027672, MeSH D009386, MONDO:0015356.
Tuberous sclerosis syndrome (TSC). Also called: Tuberous Sclerosis Complex; Tuberous sclerosis. Identifiers: Orphanet 805, MedGen C0041341, MONDO:0001734.
Tuberous sclerosis 2 (TSC2). Identifiers: Orphanet 805, MedGen C1860707, MONDO:0013199, OMIM 613254.

gnomAD v4.1: 1 of 1,613,056 alleles (0.000062%); highest among the groups gnomAD compares: Non-Finnish European, 0.000085%; no homozygotes.

Submissions (3):

Labcorp Genetics (formerly Invitae), Labcorp
Classification: Likely benign for Tuberous sclerosis 2. Last evaluated: 2025-11-03. Review status: criteria provided, single submitter. Criteria: Invitae Variant Classification Sherloc (09022015). Collection method: clinical testing. Allele origin: germline.

All of Us Research Program, National Institutes of Health
Classification: Likely benign for Tuberous sclerosis syndrome. Last evaluated: 2023-11-20. Review status: criteria provided, single submitter. Criteria: ACMG Guidelines, 2015. Collection method: clinical testing. Allele origin: germline. Inheritance: Autosomal dominant inheritance. Observed: 1 variant allele, 1 heterozygote.
Comment: This study involves interpretation of variants in research participants for the purpose of population health screening. Participant phenotype was not available at the time of variant classification. Additional details can be found in publication PMID: 35346344, PMCID: PMC8962531

Ambry Genetics
Classification: Likely benign for Hereditary cancer-predisposing syndrome. Last evaluated: 2023-02-05. Review status: criteria provided, single submitter. Criteria: Ambry Variant Classification Scheme 2023. Collection method: clinical testing. Allele origin: germline.